The following is an entry in ClinVar:

ClinVar aggregate classification (germline): Uncertain significance. Review status: criteria provided, multiple submitters, no conflicts (2 of 4 stars). 3 submissions from 3 submitters: Uncertain significance (3). Last evaluated 2025-09-25.

Conditions:
Inborn genetic diseases. Identifiers: MedGen C0950123, MeSH D030342.
Fanconi anemia (FA). Also called: Fanconi's anemia. Identifiers: Orphanet 84, MedGen C0015625, MeSH D005199, MONDO:0019391.

Allele frequency attached by ClinVar (database versions not stated): TOPMed below 0.00001.

Submissions (3):

Ambry Genetics
Classification: Uncertain significance for Inborn genetic diseases. Last evaluated: 2025-09-25. Review status: criteria provided, single submitter. Criteria: Ambry Variant Classification Scheme 2023. Collection method: clinical testing. Allele origin: germline.

GeneDx
Classification: Uncertain significance. Last evaluated: 2022-11-29. Review status: criteria provided, single submitter. Criteria: GeneDx Variant Classification Process June 2021. Collection method: clinical testing. Allele origin: germline. Affected: yes.
Comment: Not observed at significant frequency in large population cohorts (gnomAD); In silico analysis supports that this missense variant has a deleterious effect on protein structure/function; Has not been previously published as pathogenic or benign to our knowledge

Labcorp Genetics (formerly Invitae), Labcorp
Classification: Uncertain significance for Fanconi anemia. Last evaluated: 2021-12-06. Review status: criteria provided, single submitter. Criteria: Invitae Variant Classification Sherloc (09022015). Collection method: clinical testing. Allele origin: germline.
Comment: In summary, the available evidence is currently insufficient to determine the role of this variant in disease. Therefore, it has been classified as a Variant of Uncertain Significance. Advanced modeling of protein sequence and biophysical properties (such as structural, functional, and spatial information, amino acid conservation, physicochemical variation, residue mobility, and thermodynamic stability) performed at Invitae indicates that this missense variant is expected to disrupt FANCA protein function. This variant has not been reported in the literature in individuals affected with FANCA-related conditions. This variant is not present in population databases (gnomAD no frequency). This sequence change replaces alanine, which is neutral and non-polar, with proline, which is neutral and non-polar, at codon 547 of the FANCA protein (p.Ala547Pro).

NM_000135.4(FANCA):c.1639G>C (p.Ala547Pro)

Gene: FANCA (FA complementation group A; minus strand). Cytogenetic location: 16q24.3.
Variant type: single nucleotide variant.
Coding change: c.1639G>C on transcript NM_000135.4 (MANE Select); coding-DNA position 1639, G replaced by C.
Protein change: p.Ala547Pro; replaces alanine 547 with proline.
Molecular consequence: missense variant.
Genome position (GRCh38, 1-based): chr16:89,779,945, C>G on the plus strand (G>C on the coding strand, the complement: FANCA is on the minus strand). VCF-style: chr16-89779945-C-G. GRCh37 (hg19) VCF-style: chr16-89846353-C-G.
Other names: c.1639G>C, p.Ala547Pro (NM_001286167.3); c.1639G>C (NM_000135.2); short protein forms A547P.
Identifiers: ClinVar variation 1356790 (VCV001356790.6), dbSNP rs2039644384, ClinGen allele CA397456519.